The following is an entry in ClinVar:

NM_000540.3(RYR1):c.7708G>A (p.Ala2570Thr)

Gene: RYR1 (ryanodine receptor 1; plus strand). Cytogenetic location: 19q13.2.
Variant type: single nucleotide variant.
Coding change: c.7708G>A on transcript NM_000540.3 (MANE Select); coding-DNA position 7708, G replaced by A.
Protein change: p.Ala2570Thr; replaces alanine 2570 with threonine.
Molecular consequence: missense variant.
Genome position (GRCh38, 1-based): chr19:38,502,600, G>A. VCF-style: chr19-38502600-G-A. GRCh37 (hg19) VCF-style: chr19-38993240-G-A.
Other names: c.7708G>A, p.Ala2570Thr (NM_001042723.2); short protein forms A2570T.
Identifiers: ClinVar variation 4863680 (VCV004863680.1).

ClinVar aggregate classification (germline): Uncertain significance (1 of 4 stars; one submission).

Conditions:
Inborn genetic diseases. Identifiers: MedGen C0950123, MeSH D030342.

gnomAD v4.1: 3 of 1,612,738 alleles (0.00019%); highest among the groups gnomAD compares: African/African-American, 0.0027%; no homozygotes.

Submission:

Ambry Genetics
Classification: Uncertain significance for Inborn genetic diseases. Last evaluated: 2026-03-17. Review status: criteria provided, single submitter. Criteria: Ambry Variant Classification Scheme 2023. Collection method: clinical testing. Allele origin: germline.
Comment: The c.7708G>A (p.A2570T) alteration is located in exon 48 (coding exon 48) of the RYR1 gene. This alteration results from a G to A substitution at nucleotide position 7708, causing the alanine (A) at amino acid position 2570 to be replaced by a threonine (T). Based on data from gnomAD, the A allele has an overall frequency of 0.003% (1/31314) total alleles studied. The highest observed frequency was 0.012% (1/8676) of African alleles. Based on insufficient or conflicting evidence, the clinical significance of this alteration remains unclear.